The following continues an entry in ClinVar:

NM_004004.6(GJB2):c.34G>T (p.Gly12Cys)

Gene: GJB2. ClinVar aggregate classification (germline): Likely pathogenic. Likely pathogenic (1).

Submissions 6 to 15 of 24:

First Genomix Gene Laboratory, Genetic Diagnostics Department
Classification: Pathogenic for Autosomal recessive nonsyndromic hearing loss 1A. Last evaluated: 2025-09-17. Review status: criteria provided, single submitter. Criteria: ACMG Guidelines, 2015. Collection method: clinical testing. Allele origin: germline. Inheritance: Autosomal recessive inheritance. Affected: no. Observed: 1 variant allele. Not counted in ClinVar's aggregate classification.

Fulgent Genetics
Classification: Likely pathogenic for Mutilating keratoderma; Autosomal dominant keratitis-ichthyosis-hearing loss syndrome; Palmoplantar keratoderma-deafness syndrome; Knuckle pads, deafness AND leukonychia syndrome; Autosomal recessive nonsyndromic hearing loss 1A; Autosomal dominant nonsyndromic hearing loss 3A. Last evaluated: 2024-03-28. Review status: criteria provided, single submitter. Criteria: ACMG Guidelines, 2015. Collection method: clinical testing. Allele origin: germline. Not counted in ClinVar's aggregate classification.

Women's Health and Genetics/Laboratory Corporation of America, LabCorp
Classification: Likely pathogenic for Autosomal recessive nonsyndromic hearing loss 1A. Last evaluated: 2023-12-13. Review status: criteria provided, single submitter. Criteria: LabCorp Variant Classification Summary - May 2015. Collection method: clinical testing. Allele origin: germline. Not counted in ClinVar's aggregate classification.
Comment: Variant summary: GJB2 c.34G>T (p.Gly12Cys) results in a non-conservative amino acid change located in the N-terminal domain (IPR013092) of the encoded protein sequence. Five of five in-silico tools predict a damaging effect of the variant on protein function. The variant allele was found at a frequency of 0.00051 in 247086 control chromosomes, predominantly at a frequency of 0.0036 within the Latino subpopulation in the gnomAD database, including 1 homozygote. This frequency is not higher than the estimated maximum expected for a pathogenic variant in GJB2 causing Autosomal Recessive Non-Syndromic Hearing Loss, allowing no conclusion about variant significance. However, the relatively high frequency of the variant suggests that it is unlikely to be associated with dominantly inherited non-syndromic hearing loss. The variant, c.34G>T, has been reported in the literature in compound heterozygous state together with other (likely) pathogenic variants in GJB2 in individuals affected with Non-Syndromic Hearing Loss (e.g. Chan_2010, Jiang_2015, Wu_2017 (NO_PMID), Shen_2019, Florentine_2022). In addition, the variant has also been reported in an individual affected with hearing loss who carried a likely pathogenic deletion in GJB6, suggesting that the variant may have contributed to hearing loss by a digenic mechanism in this patient (Raymond_2019). These data indicate that the variant is likely to be associated with disease. Although the variant has been reported in (apparent) heterozygosity in multiple individuals in whom a second mutation was not identified (e.g. Azaiez_2004, Tang_2006, Putcha_2007, Hernandez-Juarez_2014, Jiang_2015, Tayoun_2015, Xiang_2019), however in many of these cases, the GJB2 gene was not completely sequenced, other hearing loss-associated genes were not tested, and/or large rearrangements were not assessed; thus these reports do not provide conclusive evidence for causality. To our knowledge, no experimental evidence demonstrating an impact on protein function has been reported. However, other variants at the same amino acid position (G12V/R/D) have been reported in affected individuals (HGMD), and c.35G>T (p.Gly12Val) has been classified as a pathogenic by our laboratory for autosomal recessive non-syndromic hearing loss. The following publications have been ascertained in the context of this evaluation (PMIDs: 15365987, 20154630, 31099403, 25288386, 32090102, 26252218, 17666888, 31163360, 31160754, 26969326, 17041943, 26444186, 31035178, 34515852). 15 other submitters (including an expert panel) have provided clinical-significance assessments for this variant in ClinVar after 2014 and classified the variant as pathogenic (n=3) / likely pathogenic (n=11; including the expert panel), or likely benign (n=1). Based on the evidence outlined above, the variant was classified as likely pathogenic.

Athena Diagnostics
Classification: Likely pathogenic. Last evaluated: 2023-12-11. Review status: criteria provided, single submitter. Criteria: Athena Diagnostics Criteria. Collection method: clinical testing. Allele origin: unknown. Not counted in ClinVar's aggregate classification.
Comment: The frequency of this variant in the general population is consistent with pathogenicity. This variant has been identified in at least one individual with clinical features associated with hearing loss. At least one other missense variant at this codon is considered to be pathogenic or likely pathogenic, suggesting this variant may also cause disease. In multiple individuals, this variant has been seen with a single recessive pathogenic variant in the same gene, suggesting this variant may also be pathogenic. Computational tools predict that this variant is damaging.

Integrating Genomics into Medicine, Frazer Institute, University Of Queensland
Classification: Likely pathogenic for Autosomal recessive nonsyndromic hearing loss 1A. Last evaluated: 2023-06-02. Review status: criteria provided, single submitter. Criteria: ACMG Guidelines, 2015. Collection method: clinical testing. Allele origin: germline. Affected: yes. Not counted in ClinVar's aggregate classification.

Blueprint Genetics
Classification: Likely pathogenic for GJB2-related disorders. Last evaluated: 2022-09-28. Review status: criteria provided, single submitter. Criteria: ACMG Guidelines, 2015. Collection method: clinical testing. Allele origin: germline. Affected: yes. Observed: 5 variant alleles. Not counted in ClinVar's aggregate classification.

Mendelics
Classification: Pathogenic for Mutilating keratoderma. Last evaluated: 2022-05-04. Review status: criteria provided, single submitter. Criteria: Mendelics Assertion Criteria 2019. Collection method: clinical testing. Allele origin: germline. Not counted in ClinVar's aggregate classification.

GeneDx
Classification: Pathogenic. Last evaluated: 2021-12-15. Review status: criteria provided, single submitter. Criteria: GeneDx Variant Classification Process June 2021. Collection method: clinical testing. Allele origin: germline. Affected: yes. Not counted in ClinVar's aggregate classification.
Comment: Reported in published literature in the heterozygous state in multiple unrelated individuals with congenital hearing loss (Azaiez et al., 2004; Tang et al., 2006; Hernndez-Jurez et al. 2014); Observed in two heterozygous individuals who reported a family history suggestive of autosomal dominant hearing loss, but no segregation studies were performed for the p.(G12C) variant (Tang et al., 2006; Sloan-Heggen et al., 2016); In silico analysis supports that this missense variant has a deleterious effect on protein structure/function; This variant is associated with the following publications: (PMID: 25262649, 17666888, 25388846, 26969326, 26444186, 15365987, 25288386, 18987669, 26252218, 11912510, 22643125, 22011219, 31163360, 31160754, 30275481, 20154630, 17041943)

ARUP Laboratories, Molecular Genetics and Genomics, ARUP Laboratories
Classification: Likely pathogenic. Last evaluated: 2021-07-30. Review status: criteria provided, single submitter. Criteria: ARUP Molecular Germline Variant Investigation Process 2021. Collection method: clinical testing. Allele origin: germline. Not counted in ClinVar's aggregate classification.
Comment: The c.34G>T p.Gly12Cys variant (rs104894408) is reported in the literature in multiple hearing loss patients (Putcha 2007, Tang 2006, Hernandez-Juarez 2014, Shen 2019). Testing performed at ARUP Laboratories has identified two individuals with hearing loss who carry p.Gly12Cys on the opposite chromosome from a known pathogenic GJB2 variant and a third affected individual homozygous for the p.Gly12Cys variant. In addition, two other variants at this same amino acid (p.Gly12Val, p.Gly12Asp) have been reported in individuals with autosomal recessive nonsyndromic hearing loss and are considered pathogenic (Putcha 2007, Hernandez-Juarez 2014). The glycine at codon 12 is highly conserved, and computational analyses predict that this variant is deleterious (REVEL:0.838). Based on available evidence, the p.Gly12Cys variant is considered to be likely pathogenic. References: Hernandez-Juarez AA et al. GJB2 and GJB6 mutations are an infrequent cause of autosomal-recessive nonsyndromic hearing loss in residents of Mexico. Int J Pediatr Otorhinolaryngol. 2014 Dec;78(12):2107-2012. Putcha et al. 2007. A multicenter study of the frequency and distribution of GJB2 and GJB6 mutations in a large North American cohort. Genet. Med. 9(7):413-26. Tang et al. 2006. DNA sequence analysis of GJB2, encoding connexin 26: observations from a population of hearing impaired cases and variable carrier rates, complex genotypes, and ethnic stratification of alleles among controls. Am. J. Med. Genet. A. 140(22):2401-15. Shen J et al. ClinGen Hearing Loss Working Group. Consensus interpretation of the p.Met34Thr and p.Val37Ile variants in GJB2 by the ClinGen Hearing Loss Expert Panel. Genet Med. 2019 Nov;21(11):2442-2452. PMID: 31160754.

Baylor Genetics
Classification: Likely pathogenic for Autosomal recessive nonsyndromic hearing loss 1A. Last evaluated: 2020-05-04. Review status: criteria provided, single submitter. Criteria: ACMG Guidelines, 2015. Collection method: clinical testing. Allele origin: unknown. Affected: yes. Not counted in ClinVar's aggregate classification.
Comment: This variant was determined to be likely pathogenic according to ACMG Guidelines, 2015 [PMID:25741868].